The following is an entry in ClinVar:

ClinVar aggregate classification (germline): Pathogenic. Review status: criteria provided, single submitter (1 of 4 stars). 2 submissions from 2 submitters: Pathogenic (1). 1 of the submissions does not count toward it.

Conditions:
Ornithine carbamoyltransferase deficiency (OTCD). Also called: ORNITHINE TRANSCARBAMYLASE DEFICIENCY; OTC DEFICIENCY; ORNITHINE TRANSCARBAMYLASE DEFICIENCY, HYPERAMMONEMIA DUE TO; Ornithine Carbamoyltransferase Deficiency Disease. Identifiers: Orphanet 664, MedGen C0268542, MONDO:0010703, OMIM 311250.

Submissions (2):

Clinical Genetics Service, Universitary Hospital 12 de Octubre
Classification: Pathogenic for Ornithine carbamoyltransferase deficiency. Review status: criteria provided, single submitter. Criteria: ACMG Guidelines, 2015. Collection method: clinical testing. Allele origin: germline. Affected: yes.

GenMed Metabolism Lab
Classification: Pathogenic. Review status: no assertion criteria provided. Collection method: not provided. Allele origin: unknown. Not counted in ClinVar's aggregate classification.
Comment: p.Leu191Phe, Late
ClinVar note: Converted during submission from pathogenic to Pathogenic.

NM_000531.6(OTC):c.571C>T (p.Leu191Phe)

Gene: OTC (ornithine transcarbamylase; plus strand). Cytogenetic location: Xp11.4.
Variant type: single nucleotide variant.
Coding change: c.571C>T on transcript NM_000531.6 (MANE Select); coding-DNA position 571, C replaced by T.
Protein change: p.Leu191Phe; replaces leucine 191 with phenylalanine.
Molecular consequence: missense variant.
Genome position (GRCh38, 1-based): chrX:38,403,648, C>T. VCF-style: chrX-38403648-C-T. GRCh37 (hg19) VCF-style: chrX-38262901-C-T.
Other names: short protein forms L191F.
Identifiers: ClinVar variation 97250 (VCV000097250.3), dbSNP rs72556296, ClinGen allele CA224682.